The following is an entry in ClinVar:

ClinVar aggregate classification (germline): Uncertain significance (1 of 4 stars; one submission).

gnomAD v4.1: 3 of 1,614,164 alleles (0.00019%); highest among the groups gnomAD compares: South Asian, 0.0011%; no homozygotes.

Submission:

Mayo Clinic Laboratories, Mayo Clinic
Classification: Uncertain significance. Last evaluated: 2025-06-07. Review status: criteria provided, single submitter. Criteria: ACMG Guidelines, 2015. Collection method: clinical testing. Allele origin: germline. Observed: 1 variant allele.
Comment: BP4_moderate, PM2_supporting

NM_012144.4(DNAI1):c.755C>T (p.Thr252Ile)

Gene: DNAI1 (dynein axonemal intermediate chain 1; plus strand). Cytogenetic location: 9p13.3.
Variant type: single nucleotide variant.
Coding change: c.755C>T on transcript NM_012144.4 (MANE Select); coding-DNA position 755, C replaced by T.
Protein change: p.Thr252Ile; replaces threonine 252 with isoleucine.
Molecular consequence: missense variant.
Genome position (GRCh38, 1-based): chr9:34,493,267, C>T. VCF-style: chr9-34493267-C-T. GRCh37 (hg19) VCF-style: chr9-34493265-C-T.
Other names: p.Thr252Ile; c.767C>T, p.Thr256Ile (NM_001281428.2); short protein forms T252I, T256I.
Identifiers: ClinVar variation 4541427 (VCV004541427.1).